The following is an entry in ClinVar:

ClinVar aggregate classification (germline): Uncertain significance. Review status: criteria provided, multiple submitters, no conflicts (2 of 4 stars). 3 submissions from 3 submitters: Uncertain significance (3). Last evaluated 2025-12-10.

Conditions:
Diffuse midline glioma, H3 K27-altered. Identifiers: MedGen C5669877, MONDO:1060171.
Hereditary cancer-predisposing syndrome. Also called: Hereditary Cancer Syndrome; Hereditary neoplastic syndrome; Tumor predisposition; Neoplastic Syndromes, Hereditary. Identifiers: Orphanet 140162, MedGen C0027672, MeSH D009386, MONDO:0015356.
EGFR-related lung cancer (EGFR). Identifiers: MedGen CN130014.

Allele frequency attached by ClinVar (database versions not stated): gnomAD 0.00001 and 0.00002; TOPMed 0.00003; ExAC 0.00006; 1000 Genomes Project 30x 0.00031; 1000 Genomes Project 0.00040.
gnomAD v4.1: 106 of 1,614,110 alleles (0.0066%); highest among the groups gnomAD compares: Non-Finnish European, 0.0084%; no homozygotes.

Submissions (3):

Labcorp Genetics (formerly Invitae), Labcorp
Classification: Uncertain significance for EGFR-related lung cancer. Last evaluated: 2025-12-10. Review status: criteria provided, single submitter. Criteria: Invitae Variant Classification Sherloc (09022015). Collection method: clinical testing. Allele origin: germline.
Comment: This sequence change replaces threonine, which is neutral and polar, with methionine, which is neutral and non-polar, at codon 1029 of the EGFR protein (p.Thr1029Met). This variant is present in population databases (rs182857647, gnomAD 0.01%). This variant has not been reported in the literature in individuals affected with EGFR-related conditions. ClinVar contains an entry for this variant (Variation ID: 841628). An algorithm developed to predict the effect of missense changes on protein structure and function (PolyPhen-2) suggests that this variant is likely to be disruptive. In summary, the available evidence is currently insufficient to determine the role of this variant in disease. Therefore, it has been classified as a Variant of Uncertain Significance.

Ambry Genetics
Classification: Uncertain significance for Hereditary cancer-predisposing syndrome. Last evaluated: 2024-12-30. Review status: criteria provided, single submitter. Criteria: Ambry Variant Classification Scheme 2023. Collection method: clinical testing. Allele origin: germline.
Comment: The p.T1029M variant (also known as c.3086C>T), located in coding exon 25 of the EGFR gene, results from a C to T substitution at nucleotide position 3086. The threonine at codon 1029 is replaced by methionine, an amino acid with similar properties. This amino acid position is well conserved in available vertebrate species. In addition, the in silico prediction for this alteration is inconclusive. Based on the available evidence, the clinical significance of this variant remains unclear.

Laboratory of Medical Genetics Unit, Bambino Gesù Children's Hospital
Classification: Uncertain significance for Diffuse midline glioma, H3 K27-altered. Last evaluated: 2022-03-14. Review status: criteria provided, single submitter. Criteria: ACMG Guidelines, 2015. Collection method: research. Allele origin: paternal. Affected: yes. Observed: 1 heterozygote.

NM_005228.5(EGFR):c.3086C>T (p.Thr1029Met)

Gene: EGFR (epidermal growth factor receptor; plus strand). Cytogenetic location: 7p11.2.
Variant type: single nucleotide variant.
Coding change: c.3086C>T on transcript NM_005228.5 (MANE Select); coding-DNA position 3086, C replaced by T.
Protein change: p.Thr1029Met; replaces threonine 1029 with methionine.
Molecular consequence: missense variant.
Genome position (GRCh38, 1-based): chr7:55,201,327, C>T. VCF-style: chr7-55201327-C-T. GRCh37 (hg19) VCF-style: chr7-55269020-C-T.
Other names: c.2951C>T, p.Thr984Met (NM_001346897.2, NM_001346899.2); c.3086C>T, p.Thr1029Met (NM_001346898.2); c.2927C>T, p.Thr976Met (NM_001346900.2); c.2285C>T, p.Thr762Met (NM_001346941.2); short protein forms T1029M, T984M, T762M, T976M.
Identifiers: ClinVar variation 841628 (VCV000841628.9), dbSNP rs182857647, ClinGen allele CA4266252.
Genomic context (GRCh38, chr7:55,201,327, plus strand): 5'-ACGTGGTGGATGCCGACGAGTACCTCATCCCACAGCAGGGCTTCTTCAGCAGCCCCTCCA[C>T]GTCACGGACTCCCCTCCTGAGCTCTCTGGTATGAAATCTCTGTCTCTCTCTCTCTCTCAA-3'
Protein context (NP_005219.2, residues 1019-1039): PQQGFFSSPS[Thr1029Met]SRTPLLSSLS